The following is an entry in ClinVar:

NM_000094.4(COL7A1):c.1294del (p.Leu432fs)

Gene: COL7A1 (collagen type VII alpha 1 chain; minus strand). Cytogenetic location: 3p21.31.
Variant type: Deletion.
Coding change: c.1294del on transcript NM_000094.4 (MANE Select); coding-DNA position 1294, one base deleted (C; older notation c.1294delC).
Protein change: p.Leu432fs; shifts the reading frame from leucine 432.
Molecular consequence: frameshift variant.
Genome position (GRCh38, 1-based): chr3:48,591,961, G deleted on the plus strand (C on the coding strand, the reverse complement: COL7A1 is on the minus strand); the first of 2 consecutive G bases (chr3:48,591,961-48,591,962); deleting either gives the same sequence. VCF-style (leftmost placement, unchanged base first): chr3-48591960-AG-A. GRCh37 (hg19) VCF-style: chr3-48629393-AG-A.
Other names: short protein forms L432fs.
Identifiers: ClinVar variation 3589291 (VCV003589291.2).
Genomic context (GRCh38, chr3:48,591,960, plus strand): 5'-GTCTCACGCCGCCATTCCAACCGGTAGCCACGGGCCTCAGGCACCAAGTTCCAGGAAAGG[AG>A]GATGGATGTGGGGCCCAGGATGACCGGGCGCAGGGTCTGCTCAACAGAAGCGTCTGCCCA-3'

ClinVar aggregate classification (germline): Pathogenic/Likely pathogenic. Review status: criteria provided, multiple submitters, no conflicts (2 of 4 stars). 2 submissions from 2 submitters: Pathogenic (1); Likely pathogenic (1). Last evaluated 2025-04-21.

Conditions:
Nonsyndromic congenital nail disorder 8. Also called: TOENAIL DYSTROPHY, ISOLATED. Identifiers: MedGen C1843761, MONDO:0011852, OMIM 607523.
Recessive dystrophic epidermolysis bullosa (RDEB). Also called: severe generalized recessive dystrophic epidermolysis bullosa; EPIDERMOLYSIS BULLOSA DYSTROPHICA, GENERALIZED SEVERE, AUTOSOMAL RECESSIVE; DYSTROPHIC EPIDERMOLYSIS BULLOSA, AUTOSOMAL RECESSIVE; EPIDERMOLYSIS BULLOSA DYSTROPHICA, HALLOPEAU-SIEMENS TYPE; epidermolysis bullosa dystrophica, autosomal recessive; Recessive DEB (RDEB). Identifiers: Orphanet 79408, Orphanet 79409, MedGen C0079474, MONDO:0009179, OMIM 226600.
Dominant dystrophic epidermolysis bullosa with absence of skin. Also called: EPIDERMOLYSIS BULLOSA WITH CONGENITAL LOCALIZED ABSENCE OF SKIN AND DEFORMITY OF NAILS; EPIDERMOLYSIS BULLOSA DYSTROPHICA, BART TYPE. Identifiers: MedGen C0268371, MONDO:0007557, OMIM 132000.
Generalized dominant dystrophic epidermolysis bullosa (DDEB). Also called: Dominant DEB (DDEB); DDEB, generalized; DDEB-gen; DYSTROPHIC EPIDERMOLYSIS BULLOSA, AUTOSOMAL DOMINANT; Epidermolysis bullosa dystrophica, autosomal dominant. Identifiers: Orphanet 231568, MedGen C0432322, MONDO:0007549, OMIM 131750.
Epidermolysis bullosa pruriginosa. Also called: DEB, PRURIGINOSA; DYSTROPHIC EPIDERMOLYSIS BULLOSA PRURIGINOSA. Identifiers: Orphanet 89843, MedGen C1275114, MONDO:0011398, OMIM 604129.
Transient bullous dermolysis of the newborn (TBDN). Also called: DYSTROPHIC EPIDERMOLYSIS BULLOSA, NEONATAL; EPIDERMOLYSIS BULLOSA DYSTROPHICA, NEONATAL FORM. Identifiers: Orphanet 79411, MedGen C1851573, MONDO:0007548, OMIM 131705.
Pretibial dystrophic epidermolysis bullosa. Also called: Pretibial epidermolysis bullosa; EPIDERMOLYSIS BULLOSA DYSTROPHICA, PRETIBIAL; Pretibial blistering. Identifiers: Orphanet 79410, MedGen C0432321, MONDO:0007552, OMIM 131850, HP:0012221.

Submissions (2):

Labcorp Genetics (formerly Invitae), Labcorp
Classification: Pathogenic. Last evaluated: 2025-04-21. Review status: criteria provided, single submitter. Criteria: Invitae Variant Classification Sherloc (09022015). Collection method: clinical testing. Allele origin: germline.
Comment: This sequence change creates a premature translational stop signal (p.Leu432Serfs*35) in the COL7A1 gene. It is expected to result in an absent or disrupted protein product. Loss-of-function variants in COL7A1 are known to be pathogenic (PMID: 16971478). This variant is not present in population databases (gnomAD no frequency). This variant has not been reported in the literature in individuals affected with COL7A1-related conditions. ClinVar contains an entry for this variant (Variation ID: 3589291). For these reasons, this variant has been classified as Pathogenic.

Fulgent Genetics
Classification: Likely pathogenic for Transient bullous dermolysis of the newborn; Generalized dominant dystrophic epidermolysis bullosa; Pretibial dystrophic epidermolysis bullosa; Dominant dystrophic epidermolysis bullosa with absence of skin; Recessive dystrophic epidermolysis bullosa; Epidermolysis bullosa pruriginosa; Nonsyndromic congenital nail disorder 8. Last evaluated: 2024-03-31. Review status: criteria provided, single submitter. Criteria: ACMG Guidelines, 2015. Collection method: clinical testing. Allele origin: germline.

Literature cited by the submitters: PubMed 16971478 (cited by Labcorp Genetics (formerly Invitae), Labcorp).